The following is an entry in ClinVar:

ClinVar aggregate classification (germline): Conflicting classifications of pathogenicity. Review status: criteria provided, conflicting classifications (1 of 4 stars). 2 submissions from 2 submitters: Likely pathogenic (1); Uncertain significance (1). Last evaluated 2024-04-10.

Conditions:
DPYS-related disorders.

Allele frequency attached by ClinVar (database versions not stated): TOPMed 0.00007; ESP Exome Variant Server 0.00008; gnomAD 0.00009 and 0.00010.
gnomAD v4.1: 115 of 1,613,978 alleles (0.0071%); highest among the groups gnomAD compares: Middle Eastern, 0.017%; no homozygotes.

Submissions (2):

Blueprint Genetics
Classification: Likely pathogenic for DPYS-related disorders. Last evaluated: 2024-04-10. Review status: criteria provided, single submitter. Criteria: ACMG Guidelines, 2015. Collection method: clinical testing. Allele origin: germline. Affected: yes. Observed: 5 variant alleles.

Labcorp Genetics (formerly Invitae), Labcorp
Classification: Uncertain significance. Last evaluated: 2022-10-13. Review status: criteria provided, single submitter. Criteria: Invitae Variant Classification Sherloc (09022015). Collection method: clinical testing. Allele origin: germline.
Comment: This sequence change replaces valine, which is neutral and non-polar, with methionine, which is neutral and non-polar, at codon 364 of the DPYS protein (p.Val364Met). This variant is present in population databases (rs138282507, gnomAD 0.02%). This missense change has been observed in individual(s) with dihydropyrimidinuria (PMID: 20362666). ClinVar contains an entry for this variant (Variation ID: 1518152). Algorithms developed to predict the effect of missense changes on protein structure and function are either unavailable or do not agree on the potential impact of this missense change (SIFT: "Deleterious"; PolyPhen-2: "Probably Damaging"; Align-GVGD: "Class C15"). Experimental studies have shown that this missense change affects DPYS function (PMID: 20362666, 28642038). Algorithms developed to predict the effect of sequence changes on RNA splicing suggest that this variant may disrupt the consensus splice site. In summary, the available evidence is currently insufficient to determine the role of this variant in disease. Therefore, it has been classified as a Variant of Uncertain Significance.

Literature cited by the submitters: PubMed 20362666 (cited by Labcorp Genetics (formerly Invitae), Labcorp); PubMed 28642038 (cited by Labcorp Genetics (formerly Invitae), Labcorp).

NM_001385.3(DPYS):c.1090G>A (p.Val364Met)

Gene: DPYS (dihydropyrimidinase; minus strand). Cytogenetic location: 8q22.3.
Variant type: single nucleotide variant.
Coding change: c.1090G>A on transcript NM_001385.3 (MANE Select); coding-DNA position 1090, G replaced by A.
Protein change: p.Val364Met; replaces valine 364 with methionine.
Molecular consequence: missense variant.
Genome position (GRCh38, 1-based): chr8:104,427,982, C>T on the plus strand (G>A on the coding strand, the complement: DPYS is on the minus strand). VCF-style: chr8-104427982-C-T. GRCh37 (hg19) VCF-style: chr8-105440210-C-T.
Other names: short protein forms V364M.
Identifiers: ClinVar variation 1518152 (VCV001518152.4), dbSNP rs138282507, ClinGen allele CA4838373.